The following is an entry in ClinVar:

NM_182914.3(SYNE2):c.20602_20603dup (p.Leu6869fs)

Gene: SYNE2 (spectrin repeat containing nuclear envelope protein 2; plus strand). Cytogenetic location: 14q23.2.
Variant type: Duplication.
Coding change: c.20602_20603dup on transcript NM_182914.3 (MANE Select); coding-DNA positions 20602 to 20603, 2 bases duplicated (CT; older notation c.20602_20603dupCT).
Protein change: p.Leu6869fs; shifts the reading frame from leucine 6869.
Molecular consequence: frameshift variant.
Genome position (GRCh38, 1-based): chr14:64,225,404-64,225,405, CT duplicated. VCF-style (leftmost placement, unchanged base first): chr14-64225403-G-GCT. GRCh37 (hg19) VCF-style: chr14-64692121-G-GCT.
Other names: c.20536_20537dup, p.Leu6847fs (NM_015180.6); c.1168_1169dup, p.Leu391fs (NM_182910.2); c.1549_1550dup, p.Leu518fs (NM_182913.4); short protein forms L391fs, L518fs, L6869fs, L6847fs.
Identifiers: ClinVar variation 3661899 (VCV003661899.2).
Genomic context (GRCh38, chr14:64,225,403, plus strand): 5'-GCGCTCCTTCCTCTCAAGGGTGGTCCGGGCAGCCCTACCCCTGCAGCTGCTCCTCCTGCT[G>GCT]CTGCTGCTCCTGGCCTGCCTGCTGCCCTCCTCCGAAGAAGACTACAGCTGCACTCAGGCC-3'

ClinVar aggregate classification (germline): Uncertain significance (1 of 4 stars; one submission).

Conditions:
Emery-Dreifuss muscular dystrophy 5, autosomal dominant (EDMD5). Also called: EMERY-DREIFUSS MUSCULAR DYSTROPHY 5. Identifiers: Orphanet 261, MedGen C2751805, MONDO:0013072, OMIM 612999.

Submission:

Labcorp Genetics (formerly Invitae), Labcorp
Classification: Uncertain significance for Emery-Dreifuss muscular dystrophy 5, autosomal dominant. Last evaluated: 2024-08-13. Review status: criteria provided, single submitter. Criteria: Invitae Variant Classification Sherloc (09022015). Collection method: clinical testing. Allele origin: germline.
Comment: This sequence change creates a premature translational stop signal (p.Leu6869Cysfs*31) in the SYNE2 gene. While this is not anticipated to result in nonsense mediated decay, it is expected to disrupt the last 39 amino acid(s) of the SYNE2 protein. This variant is not present in population databases (gnomAD no frequency). This variant has not been reported in the literature in individuals affected with SYNE2-related conditions. Experimental studies and prediction algorithms are not available or were not evaluated, and the functional significance of this variant is currently unknown. In summary, the available evidence is currently insufficient to determine the role of this variant in disease. Therefore, it has been classified as a Variant of Uncertain Significance.